The following is an entry in ClinVar:

NM_181882.3(PRX):c.1666_1743del (p.Leu556_Lys581del)

Gene: PRX (periaxin; minus strand). Cytogenetic location: 19q13.2.
Variant type: Deletion.
Coding change: c.1666_1743del on transcript NM_181882.3 (MANE Select); coding-DNA positions 1666 to 1743, 78 bases deleted.
Protein change: p.Leu556_Lys581del.
Molecular consequence: inframe deletion. On other transcripts: 3 prime UTR variant (1).
Genome position (GRCh38, 1-based): chr19:40,396,609-40,396,686, 78 bases deleted. GRCh37 (hg19): chr19:40,902,527-40,902,604.
Other names: c.*1871_*1948del (NM_020956.2); c.1666_1743delCTCCCAGAGGTGTCAGAGGTGGCTGTGCCAGAGGTGCGGCTTCCAGAGGTGCAGCTGCCGAAAGTGCCAGAGATGAAA (NM_181882.2).
Identifiers: ClinVar variation 648461 (VCV000648461.8), dbSNP rs1599654291, ClinGen allele CA915953019.

ClinVar aggregate classification (germline): Uncertain significance (1 of 4 stars; one submission).

Conditions:
Charcot-Marie-Tooth disease type 4. Also called: Charcot-Marie-Tooth disease, type IV; Charcot-Marie-Tooth, Type 4. Identifiers: Orphanet 64749, MedGen C4082197, MONDO:0018995.

Submission:

Labcorp Genetics (formerly Invitae), Labcorp
Classification: Uncertain significance for Charcot-Marie-Tooth disease type 4. Last evaluated: 2018-10-16. Review status: criteria provided, single submitter. Criteria: Invitae Variant Classification Sherloc (09022015). Collection method: clinical testing. Allele origin: germline.
Comment: In summary, the available evidence is currently insufficient to determine the role of this variant in disease. Therefore, it has been classified as a Variant of Uncertain Significance. Experimental studies and prediction algorithms are not available for this variant, and the functional significance of the affected amino acid(s) is currently unknown. This variant has not been reported in the literature in individuals with PRX-related disease. This variant is not present in population databases (ExAC no frequency). This variant, c.1666_1743del, results in the deletion of 26 amino acids of the PRX protein (p.Leu556_Lys581del), but otherwise preserves the integrity of the reading frame.